The following is an entry in ClinVar:

ClinVar aggregate classification (germline): Uncertain significance (1 of 4 stars; one submission).

Submission:

Labcorp Genetics (formerly Invitae), Labcorp
Classification: Uncertain significance. Last evaluated: 2022-10-14. Review status: criteria provided, single submitter. Criteria: Invitae Variant Classification Sherloc (09022015). Collection method: clinical testing. Allele origin: germline.
Comment: In summary, the available evidence is currently insufficient to determine the role of this variant in disease. Therefore, it has been classified as a Variant of Uncertain Significance. Algorithms developed to predict the effect of sequence changes on RNA splicing suggest that this variant may disrupt the consensus splice site. This variant has not been reported in the literature in individuals affected with CD46-related conditions. This variant is not present in population databases (gnomAD no frequency). This sequence change affects codon 241 of the CD46 mRNA. It is a 'silent' change, meaning that it does not change the encoded amino acid sequence of the CD46 protein.

NM_172351.3(CD46):c.723A>T (p.Gly241=)

Gene: CD46 (CD46 molecule; plus strand). Cytogenetic location: 1q32.2.
Variant type: single nucleotide variant.
Coding change: c.723A>T on transcript NM_172351.3 (MANE Select); coding-DNA position 723, A replaced by T.
Protein change: p.Gly241=; no amino-acid change (glycine 241 retained).
Molecular consequence: synonymous variant.
Genome position (GRCh38, 1-based): chr1:207,767,062, A>T. VCF-style: chr1-207767062-A-T. GRCh37 (hg19) VCF-style: chr1-207940407-A-T.
Other names: c.723A>T, p.Gly241= (NM_002389.4, NM_153826.4, NM_172350.3 and 8 more transcripts).
Identifiers: ClinVar variation 2035577 (VCV002035577.4), dbSNP rs2526528673, ClinGen allele CA422973820.